The following is an entry in ClinVar:

NM_000081.4(LYST):c.119C>T (p.Ala40Val)

Gene: LYST (lysosomal trafficking regulator; minus strand). Cytogenetic location: 1q42.3.
Variant type: single nucleotide variant.
Coding change: c.119C>T on transcript NM_000081.4 (MANE Select); coding-DNA position 119, C replaced by T.
Protein change: p.Ala40Val; replaces alanine 40 with valine.
Molecular consequence: missense variant. On other transcripts: non-coding transcript variant (1).
Genome position (GRCh38, 1-based): chr1:235,830,299, G>A on the plus strand (C>T on the coding strand, the complement: LYST is on the minus strand). VCF-style: chr1-235830299-G-A. GRCh37 (hg19) VCF-style: chr1-235993599-G-A.
Other names: c.119C>T, p.Ala40Val (NM_001301365.1); short protein forms A40V.
Identifiers: ClinVar variation 1366885 (VCV001366885.3), dbSNP rs538522923, ClinGen allele CA1467725.

ClinVar aggregate classification (germline): Uncertain significance (1 of 4 stars; one submission).

Conditions:
Chédiak-Higashi syndrome (CHS). Also called: Chediak-Higashi Syndrome. Identifiers: Orphanet 167, MedGen C0007965, MONDO:0008963, OMIM 214500.

Allele frequency attached by ClinVar (database versions not stated): TOPMed 0.00001; gnomAD exomes 0.00004; ExAC 0.00009.
gnomAD v4.1: 59 of 1,614,012 alleles (0.0037%); highest among the groups gnomAD compares: South Asian, 0.044%; 1 homozygote.

Submission:

Labcorp Genetics (formerly Invitae), Labcorp
Classification: Uncertain significance for Chédiak-Higashi syndrome. Last evaluated: 2022-10-24. Review status: criteria provided, single submitter. Criteria: Invitae Variant Classification Sherloc (09022015). Collection method: clinical testing. Allele origin: germline.
Comment: This sequence change replaces alanine, which is neutral and non-polar, with valine, which is neutral and non-polar, at codon 40 of the LYST protein (p.Ala40Val). This variant is present in population databases (rs538522923, gnomAD 0.06%). This variant has not been reported in the literature in individuals affected with LYST-related conditions. ClinVar contains an entry for this variant (Variation ID: 1366885). Advanced modeling of protein sequence and biophysical properties (such as structural, functional, and spatial information, amino acid conservation, physicochemical variation, residue mobility, and thermodynamic stability) performed at Invitae indicates that this missense variant is not expected to disrupt LYST protein function. Algorithms developed to predict the effect of sequence changes on RNA splicing suggest that this variant may create or strengthen a splice site. In summary, the available evidence is currently insufficient to determine the role of this variant in disease. Therefore, it has been classified as a Variant of Uncertain Significance.